The following is an entry in ClinVar:

NM_003982.4(SLC7A7):c.1321A>G (p.Ile441Val)

Gene: SLC7A7 (solute carrier family 7 member 7; minus strand). Cytogenetic location: 14q11.2.
Variant type: single nucleotide variant.
Coding change: c.1321A>G on transcript NM_003982.4 (MANE Select); coding-DNA position 1321, A replaced by G.
Protein change: p.Ile441Val; replaces isoleucine 441 with valine.
Molecular consequence: missense variant.
Genome position (GRCh38, 1-based): chr14:22,774,041, T>C on the plus strand (A>G on the coding strand, the complement: SLC7A7 is on the minus strand). VCF-style: chr14-22774041-T-C. GRCh37 (hg19) VCF-style: chr14-23243250-T-C.
Other names: p.Ile441Val; c.1321A>G, p.Ile441Val (NM_001126105.3, NM_001126106.4); short protein forms I441V.
Identifiers: ClinVar variation 2151159 (VCV002151159.4), dbSNP rs201611215, ClinGen allele CA7104421.

ClinVar aggregate classification (germline): Conflicting classifications of pathogenicity. Review status: criteria provided, conflicting classifications (1 of 4 stars). 4 submissions from 4 submitters: Uncertain significance (3); Likely benign (1). Last evaluated 2024-07-02.

Conditions:
Lysinuric protein intolerance (LPI). Identifiers: Orphanet 470, MedGen C0268647, MONDO:0009109, OMIM 222700.
Inborn genetic diseases. Identifiers: MedGen C0950123, MeSH D030342.

Allele frequency attached by ClinVar (database versions not stated): gnomAD 0.00003; gnomAD exomes 0.00003; TOPMed 0.00003; ExAC 0.00006.
gnomAD v4.1: 56 of 1,614,102 alleles (0.0035%); highest among the groups gnomAD compares: South Asian, 0.031%; 1 homozygote.

Submissions (4):

Ambry Genetics
Classification: Uncertain significance for Inborn genetic diseases. Last evaluated: 2024-07-02. Review status: criteria provided, single submitter. Criteria: Ambry Variant Classification Scheme 2023. Collection method: clinical testing. Allele origin: germline.

Fulgent Genetics
Classification: Likely benign for Lysinuric protein intolerance. Last evaluated: 2024-03-28. Review status: criteria provided, single submitter. Criteria: ACMG Guidelines, 2015. Collection method: clinical testing. Allele origin: germline.

Mayo Clinic Laboratories, Mayo Clinic
Classification: Uncertain significance. Last evaluated: 2022-11-08. Review status: criteria provided, single submitter. Criteria: ACMG Guidelines, 2015. Collection method: clinical testing. Allele origin: germline. Observed: 1 variant allele.

Labcorp Genetics (formerly Invitae), Labcorp
Classification: Uncertain significance for Lysinuric protein intolerance. Last evaluated: 2022-08-03. Review status: criteria provided, single submitter. Criteria: Invitae Variant Classification Sherloc (09022015). Collection method: clinical testing. Allele origin: germline.
Comment: This sequence change replaces isoleucine, which is neutral and non-polar, with valine, which is neutral and non-polar, at codon 441 of the SLC7A7 protein (p.Ile441Val). This variant is present in population databases (rs201611215, gnomAD 0.03%). This variant has not been reported in the literature in individuals affected with SLC7A7-related conditions. Algorithms developed to predict the effect of missense changes on protein structure and function output the following: SIFT: "Tolerated"; PolyPhen-2: "Benign"; Align-GVGD: "Class C0". The valine amino acid residue is found in multiple mammalian species, which suggests that this missense change does not adversely affect protein function. In summary, the available evidence is currently insufficient to determine the role of this variant in disease. Therefore, it has been classified as a Variant of Uncertain Significance.